The following is an entry in ClinVar:

NM_000057.4(BLM):c.1775C>T (p.Pro592Leu)

Gene: BLM (BLM RecQ like helicase; plus strand). Cytogenetic location: 15q26.1.
Variant type: single nucleotide variant.
Coding change: c.1775C>T on transcript NM_000057.4 (MANE Select); coding-DNA position 1775, C replaced by T.
Protein change: p.Pro592Leu; replaces proline 592 with leucine.
Molecular consequence: missense variant.
Genome position (GRCh38, 1-based): chr15:90,761,148, C>T. VCF-style: chr15-90761148-C-T. GRCh37 (hg19) VCF-style: chr15-91304378-C-T.
Other names: c.1775C>T, p.Pro592Leu (NM_001287246.2, NM_001287247.2); c.650C>T, p.Pro217Leu (NM_001287248.2); short protein forms P217L, P592L.
Identifiers: ClinVar variation 1691985 (VCV001691985.2), dbSNP rs2151158954, ClinGen allele CA393843817.

ClinVar aggregate classification (germline): Uncertain significance. Review status: criteria provided, multiple submitters, no conflicts (2 of 4 stars). 2 submissions from 2 submitters: Uncertain significance (2). Last evaluated 2025-12-15.

Conditions:
Hereditary cancer-predisposing syndrome. Also called: Tumor predisposition; Hereditary Cancer Syndrome; Hereditary neoplastic syndrome; Neoplastic Syndromes, Hereditary. Identifiers: Orphanet 140162, MedGen C0027672, MeSH D009386, MONDO:0015356.

Submissions (2):

Ambry Genetics
Classification: Uncertain significance for Hereditary cancer-predisposing syndrome. Last evaluated: 2025-12-15. Review status: criteria provided, single submitter. Criteria: Ambry Variant Classification Scheme 2023. Collection method: clinical testing. Allele origin: germline.
Comment: The p.P592L variant (also known as c.1775C>T), located in coding exon 6 of the BLM gene, results from a C to T substitution at nucleotide position 1775. The proline at codon 592 is replaced by leucine, an amino acid with similar properties. This amino acid position is conserved. In addition, the in silico prediction for this alteration is inconclusive. Based on the available evidence, the clinical significance of this variant remains unclear.

Sema4
Classification: Uncertain significance for Hereditary cancer-predisposing syndrome. Last evaluated: 2022-03-18. Review status: criteria provided, single submitter. Criteria: Sema4 Curation Guidelines. Collection method: curation. Allele origin: germline.
Comment: The BLM c.1775C>T (p.P592L) variant has not been reported in the literature to our knowledge. This variant is not reported in the population database Genome Aggregation Database (PMID: 32461654) nor in ClinVar. Functional studies have not been performed, and in silico predictions of the variant's effect on protein function are inconclusive. The evidence is insufficient to meet ACMG/AMP criteria for classifying the variant as benign or pathogenic. Thus, the clinical significance of this variant is currently uncertain.